The following is an entry in ClinVar:

ClinVar aggregate classification (germline): Benign. Review status: criteria provided, single submitter (1 of 4 stars). 2 submissions from 2 submitters: Benign (1). 1 of the submissions does not count toward it. Last evaluated 2026-09-01.

Conditions:
KCNQ1-related disorder. Also called: KCNQ1-related disorders; KCNQ1-related condition. Identifiers: MedGen CN239322.

Allele frequency attached by ClinVar (database versions not stated): 1000 Genomes Project 30x 0.00109; TOPMed 0.00296; gnomAD 0.00303 and 0.00315; gnomAD exomes 0.00348.
gnomAD v4.1: 1,299 of 398,574 alleles (0.33%); highest among the groups gnomAD compares: Non-Finnish European, 0.49%; 2 homozygotes.

Submissions (2):

CeGaT Center for Human Genetics Tuebingen
Classification: Benign. Last evaluated: 2026-09-01. Review status: criteria provided, single submitter. Criteria: CeGaT Center For Human Genetics Tuebingen Variant Classification Criteria Version 2. Collection method: clinical testing. Allele origin: germline. Affected: yes. Observed: 16 variant alleles.
Comment: KCNQ1OT1: BS1, BS2

PreventionGenetics, part of Exact Sciences
Classification: Likely benign for KCNQ1-related condition. Last evaluated: 2022-01-31. Review status: no assertion criteria provided. Collection method: clinical testing. Allele origin: germline. Not counted in ClinVar's aggregate classification.
Comment: This variant is classified as likely benign based on ACMG/AMP sequence variant interpretation guidelines (Richards et al. 2015 PMID: 25741868, with internal and published modifications).

NM_000218.3(KCNQ1):c.1394-1572T>A

Genes: KCNQ1 (potassium voltage-gated channel subfamily Q member 1; plus strand), KCNQ1OT1 (KCNQ1 opposite strand/antisense transcript 1; minus strand). Cytogenetic location: 11p15.5.
Variant type: single nucleotide variant.
Coding change: c.1394-1572T>A on transcript NM_000218.3 (MANE Select); 1572 bases into the intron before coding-DNA position 1394, T replaced by A.
Molecular consequence: intron variant.
Genome position (GRCh38, 1-based): chr11:2,660,389, T>A. VCF-style: chr11-2660389-T-A. GRCh37 (hg19) VCF-style: chr11-2681619-T-A.
Other names: c.1124-1572T>A (NM_001406837.1); c.1298-1572T>A (NM_001406836.1); c.854-1572T>A (NM_001406838.1); c.1013-1572T>A (NM_181798.2); c.1394-1572T>A (NM_000218.2).
Identifiers: ClinVar variation 1694609 (VCV001694609.32), dbSNP rs1047841136, ClinGen allele CA216169364.